The following is an entry in ClinVar:

ClinVar aggregate classification (germline): Likely pathogenic (1 of 4 stars; one submission).

Submission:

Genetics Laboratory, UDIAT-Centre Diagnòstic, Hospital Universitari Parc Tauli
Classification: Likely pathogenic. Last evaluated: 2021-04-26. Review status: criteria provided, single submitter. Criteria: Parc Tauli Hospital Assertion Criteria 2021. Collection method: clinical testing. Allele origin: de novo. Inheritance: Autosomal dominant inheritance. Affected: yes. Observed: 1 heterozygote.
Comment: PVS1_strong;PM2_supporting;PM6_moderate;PP3_supporting

NM_000834.5(GRIN2B):c.2555del (p.Gly852fs)

Gene: GRIN2B (glutamate ionotropic receptor NMDA type subunit 2B; minus strand). Cytogenetic location: 12p13.1.
Variant type: Deletion.
Coding change: c.2555del on transcript NM_000834.5 (MANE Select); coding-DNA position 2555, one base deleted (G; older notation c.2555delG).
Protein change: p.Gly852fs; shifts the reading frame from glycine 852.
Molecular consequence: frameshift variant.
Genome position (GRCh38, 1-based): chr12:13,567,068, C deleted on the plus strand (G on the coding strand, the reverse complement: GRIN2B is on the minus strand); the first of 3 consecutive C bases (chr12:13,567,068-13,567,070); deleting any one gives the same sequence. VCF-style (leftmost placement, unchanged base first): chr12-13567067-AC-A. GRCh37 (hg19) VCF-style: chr12-13720001-AC-A.
Other names: short protein forms G852fs.
Identifiers: ClinVar variation 1098371 (VCV001098371.2), dbSNP rs2136409494, ClinGen allele CA2499221567.
Genomic context (GRCh38, chr12:13,567,067, plus strand): 5'-TTAAATCAAAACACTTACTCTGCTGATGGAGAAGACCATGCCAGGCTTGCCAGAACAGAC[AC>A]CCATAAAGCAATGTCGGAACTGCCAATAGAAAAGGTGTTCGCAGATGAAGGTGATGAGGC-3'